The following is an entry in ClinVar:

ClinVar aggregate classification (germline): Likely pathogenic. Review status: criteria provided, multiple submitters, no conflicts (2 of 4 stars). 3 submissions from 3 submitters: Likely pathogenic (2). 1 of the submissions does not count toward it. Last evaluated 2024-11-19.

Conditions:
PMM2-congenital disorder of glycosylation. Also called: PMM2-CDG; Congenital disorder of glycosylation, type Ia; PHOSPHOMANNOMUTASE 2 DEFICIENCY; CARBOHYDRATE-DEFICIENT GLYCOPROTEIN SYNDROME, TYPE Ia; CDG Ia; JAEKEN SYNDROME. Identifiers: Orphanet 79318, MedGen C0349653, MONDO:0008907, OMIM 212065.

Allele frequency attached by ClinVar (database versions not stated): gnomAD exomes below 0.00001.

Submissions (3):

Natera, Inc.
Classification: Likely pathogenic for Congenital disorder of glycosylation type 1a. Last evaluated: 2024-11-19. Review status: criteria provided, single submitter. Criteria: Natera Variant Classification Schema (03/2026). Collection method: clinical testing. Allele origin: germline.
Comment: The c.345dup variant in PMM2 is a frameshift variant predicted to shift the reading frame beginning at codon 116 and leads to a stop codon 6 codons downstream. This variant is expected to result in nonsense mediated decay, truncation, or a dysfunctional protein product. This variant is rare in the general population with a frequency below the threshold expected for the associated phenotype(s). Given the available evidence, this variant is classified as Likely Pathogenic.

Baylor Genetics
Classification: Likely pathogenic for PMM2-congenital disorder of glycosylation. Last evaluated: 2024-02-04. Review status: criteria provided, single submitter. Criteria: ACMG Guidelines, 2015. Collection method: clinical testing. Allele origin: unknown.

Counsyl
Classification: Likely pathogenic for PMM2-congenital disorder of glycosylation. Last evaluated: 2016-04-11. Review status: no assertion criteria provided. Collection method: clinical testing. Allele origin: unknown. Not counted in ClinVar's aggregate classification.

NM_000303.3(PMM2):c.345dup (p.Arg116fs)

Gene: PMM2 (phosphomannomutase 2; plus strand). Cytogenetic location: 16p13.2.
Variant type: Duplication.
Coding change: c.345dup on transcript NM_000303.3 (MANE Select); coding-DNA position 345, one base duplicated (G; older notation c.345dupG).
Protein change: p.Arg116fs; shifts the reading frame from arginine 116.
Molecular consequence: frameshift variant.
Genome position (GRCh38, 1-based): chr16:8,806,405, G duplicated. VCF-style (leftmost placement, unchanged base first): chr16-8806404-A-AG. GRCh37 (hg19) VCF-style: chr16-8900261-A-AG.
Other names: c.345dup (NM_000303.2); short protein forms R116fs.
Identifiers: ClinVar variation 370776 (VCV000370776.5), dbSNP rs1057516757, ClinGen allele CA16041796.